The following is an entry in ClinVar:

ClinVar aggregate classification (germline): Pathogenic (1 of 4 stars; one submission).

Conditions:
Cardiac anomalies - developmental delay - facial dysmorphism syndrome (MRFACD). Also called: MED13L Syndrome; Impaired intellectual development and distinctive facial features with or without cardiac defects. Identifiers: Orphanet 369891, MedGen C5192431, MONDO:0014773, OMIM 616789.

Submission:

Victorian Clinical Genetics Services, Murdoch Childrens Research Institute
Classification: Pathogenic for Cardiac anomalies - developmental delay - facial dysmorphism syndrome. Last evaluated: 2020-10-19. Review status: criteria provided, single submitter. Criteria: ACMG Guidelines, 2015. Collection method: clinical testing. Allele origin: germline. Inheritance: Autosomal dominant inheritance.
Comment: Based on the classification scheme VCGS_Germline_v1.3.3, this variant is classified as Pathogenic. Following criteria are met: 0102 - Loss of function is a known mechanism of disease in this gene and is associated with MED13L-related neurodevelopmental syndrome. (I) 0107 - This gene is associated with autosomal dominant disease. (I) 0201 - Variant is predicted to cause nonsense-mediated decay (NMD) and loss of protein (premature termination codon is located at least 54 nucleotides upstream of the final exon-exon junction). (SP) 0251 - This variant is heterozygous. (I) 0301 - Variant is absent from gnomAD (both v2 and v3). (SP) 0701 - Many NMD predicted variants comparable to the one identified in this case have very strong previous evidence for pathogenicity (ClinVar). (SP) 0807 - This variant has no previous evidence of pathogenicity. (I) 0905 - No published segregation evidence has been identified for this variant. (I) 1007 - No published functional evidence has been identified for this variant. (SP) Legend: (SP) - Supporting pathogenic, (I) - Information, (SB) - Supporting benign

NM_015335.5(MED13L):c.6039del (p.Asn2014fs)

Gene: MED13L (mediator complex subunit 13L; minus strand). Cytogenetic location: 12q24.21.
Variant type: Deletion.
Coding change: c.6039del on transcript NM_015335.5 (MANE Select); coding-DNA position 6039, one base deleted (C; older notation c.6039delC).
Protein change: p.Asn2014fs; shifts the reading frame from asparagine 2014.
Molecular consequence: frameshift variant.
Genome position (GRCh38, 1-based): chr12:115,970,622, G deleted on the plus strand (C on the coding strand, the reverse complement: MED13L is on the minus strand); the first of 4 consecutive G bases (chr12:115,970,622-115,970,625); deleting any one gives the same sequence. VCF-style (leftmost placement, unchanged base first): chr12-115970621-TG-T. GRCh37 (hg19) VCF-style: chr12-116408426-TG-T.
Other names: short protein forms N2014fs.
Identifiers: ClinVar variation 1805842 (VCV001805842.2), dbSNP rs2499969554, ClinGen allele CA1139532814.